The following is an entry in ClinVar:

ClinVar aggregate classification (germline): Uncertain significance. Review status: criteria provided, multiple submitters, no conflicts (2 of 4 stars). 2 submissions from 2 submitters: Uncertain significance (2). Last evaluated 2024-04-17.

Conditions:
Deficiency of iodide peroxidase (TDH2A). Also called: HYPOTHYROIDISM, CONGENITAL, DUE TO DYSHORMONOGENESIS, 2A; IODIDE PEROXIDASE DEFICIENCY; THYROID HORMONOGENESIS, GENETIC DEFECT IN, 2A; THYROID PEROXIDASE DEFICIENCY; Thyroid dyshormonogenesis 2A. Identifiers: Orphanet 95716, MedGen C1291299, MONDO:0010133, OMIM 274500.

Allele frequency attached by ClinVar (database versions not stated): ESP Exome Variant Server 0.00008; gnomAD exomes 0.00008 and 0.00012; ExAC 0.00010; gnomAD 0.00051 and 0.00053; 1000 Genomes Project 30x 0.00109; 1000 Genomes Project 0.00120; TOPMed 0.00155.
gnomAD v4.1: 216 of 1,613,686 alleles (0.013%); highest among the groups gnomAD compares: Admixed American, 0.2%; 1 homozygote.

Submissions (2):

Women's Health and Genetics/Laboratory Corporation of America, LabCorp
Classification: Uncertain significance. Last evaluated: 2024-04-17. Review status: criteria provided, single submitter. Criteria: LabCorp Variant Classification Summary - May 2015. Collection method: clinical testing. Allele origin: germline.
Comment: Variant summary: TPO c.2051G>A (p.Arg684His) results in a non-conservative amino acid change in the encoded protein sequence. Four of five in-silico tools predict a benign effect of the variant on protein function. The variant allele was found at a frequency of 0.00012 in 251136 control chromosomes. This frequency is not significantly higher than estimated for a pathogenic variant in TPO causing Deficiency Of Iodide Peroxidase (0.00012 vs 0.0071), allowing no conclusion about variant significance. To our knowledge, no occurrence of c.2051G>A in individuals affected with Deficiency Of Iodide Peroxidase and no experimental evidence demonstrating its impact on protein function have been reported. ClinVar contains an entry for this variant (Variation ID: 894604). Based on the evidence outlined above, the variant was classified as uncertain significance.

Illumina Laboratory Services, Illumina
Classification: Uncertain significance for Deficiency of iodide peroxidase. Last evaluated: 2017-10-30. Review status: criteria provided, single submitter. Criteria: ICSL Variant Classification Criteria 13 December 2019. Collection method: clinical testing. Allele origin: germline.

NM_001206744.2(TPO):c.2051G>A (p.Arg684His)

Genes: LALTOP (lung cancer associated lncRNA targeting TOP2A; minus strand), TPO (thyroid peroxidase; plus strand). Cytogenetic location: 2p25.3.
Variant type: single nucleotide variant.
Coding change: c.2051G>A on transcript NM_001206744.2 (MANE Select); coding-DNA position 2051, G replaced by A.
Protein change: p.Arg684His; replaces arginine 684 with histidine.
Molecular consequence: missense variant.
Genome position (GRCh38, 1-based): chr2:1,496,033, G>A. VCF-style: chr2-1496033-G-A. GRCh37 (hg19) VCF-style: chr2-1499805-G-A.
Other names: c.2051G>A, p.Arg684His (NM_000547.6, NM_175721.3); c.1880G>A, p.Arg627His (NM_001206745.2, NM_175719.4); c.1532G>A, p.Arg511His (NM_175722.3); short protein forms R627H, R684H, R511H.
Identifiers: ClinVar variation 894604 (VCV000894604.5), dbSNP rs151064519, ClinGen allele CA1511947.